The following is an entry in ClinVar:

ClinVar aggregate classification (germline): Likely benign. Review status: reviewed by expert panel (3 of 4 stars). 5 submissions from 5 submitters: Likely benign (1). 4 of the submissions do not count toward it. Last evaluated 2017-06-29.

Conditions:
Hereditary cancer-predisposing syndrome. Also called: Hereditary Cancer Syndrome; Hereditary neoplastic syndrome; Tumor predisposition; Neoplastic Syndromes, Hereditary. Identifiers: Orphanet 140162, MedGen C0027672, MeSH D009386, MONDO:0015356.
Hereditary breast ovarian cancer syndrome. Also called: Hereditary breast and ovarian cancer syndrome; Hereditary breast and ovarian cancer syndrome (HBOC); BRCA1- and BRCA2-Associated Hereditary Breast and Ovarian Cancer; Breast and ovarian cancer; Hereditary breast and ovarian cancer; Hereditary breast and/or ovarian cancer syndrome. Identifiers: Orphanet 145, MedGen C0677776, MeSH D061325, MONDO:0003582. Disease mechanism: loss of function.
Breast-ovarian cancer, familial, susceptibility to, 1 (BROVCA1). Also called: OVARIAN CANCER, SUSCEPTIBILITY TO; BRCA1 Hereditary Breast and Ovarian Cancer. Identifiers: Orphanet 145, MedGen C2676676, MONDO:0011450, OMIM 604370. Disease mechanism: loss of function.

Allele frequency attached by ClinVar (database versions not stated): TOPMed 0.00001.
gnomAD v4.1: 1 of 1,613,394 alleles (0.000062%); highest among the groups gnomAD compares: Non-Finnish European, 0.000085%; no homozygotes.

Submissions (5):

Evidence-based Network for the Interpretation of Germline Mutant Alleles (ENIGMA)
Classification: Likely benign for Breast-ovarian cancer, familial, susceptibility to, 1. Last evaluated: 2017-06-29. Review status: reviewed by expert panel. Criteria: ENIGMA BRCA1/2 Classification Criteria (2017-06-29). Collection method: curation. Allele origin: germline.
Comment: Synonymous substitution variant, with low bioinformatic likelihood to result in a splicing aberration (Splicing prior probability 0.02).

Quest Diagnostics Nichols Institute San Juan Capistrano
Classification: Likely benign. Last evaluated: 2025-02-14. Review status: criteria provided, single submitter. Criteria: Quest Diagnostics criteria. Collection method: clinical testing. Allele origin: unknown. Not counted in ClinVar's aggregate classification.

Labcorp Genetics (formerly Invitae), Labcorp
Classification: Likely benign for Hereditary breast ovarian cancer syndrome. Last evaluated: 2024-11-27. Review status: criteria provided, single submitter. Criteria: Invitae Variant Classification Sherloc (09022015). Collection method: clinical testing. Allele origin: germline. Not counted in ClinVar's aggregate classification.

Color Diagnostics, LLC DBA Color Health
Classification: Likely benign for Hereditary cancer-predisposing syndrome. Last evaluated: 2018-02-05. Review status: criteria provided, single submitter. Criteria: ACMG Guidelines, 2015. Collection method: clinical testing. Allele origin: germline. Not counted in ClinVar's aggregate classification.

Ambry Genetics
Classification: Likely benign for Hereditary cancer-predisposing syndrome. Last evaluated: 2017-03-29. Review status: criteria provided, single submitter. Criteria: Ambry Variant Classification Scheme 2023. Collection method: clinical testing. Allele origin: germline. Not counted in ClinVar's aggregate classification.

NM_007294.4(BRCA1):c.570C>A (p.Thr190=)

Gene: BRCA1 (BRCA1 DNA repair associated; minus strand). Cytogenetic location: 17q21.31.
Variant type: single nucleotide variant.
Coding change: c.570C>A on transcript NM_007294.4 (MANE Select); coding-DNA position 570, C replaced by A.
Protein change: p.Thr190=; no amino-acid change (threonine 190 retained).
Molecular consequence: synonymous variant. On other transcripts: intron variant (115).
Genome position (GRCh38, 1-based): chr17:43,097,267, G>T on the plus strand (C>A on the coding strand, the complement: BRCA1 is on the minus strand). VCF-style: chr17-43097267-G-T. GRCh37 (hg19) VCF-style: chr17-41249284-G-T.
Other names: c.548-2407C>A (NM_001407939.1, NM_001407677.1, NM_001407919.1 and 34 more transcripts); c.357C>A, p.Thr119= (NM_001407571.1, NM_001407853.1, NM_001407894.1 and 12 more transcripts); c.570C>A, p.Thr190= (NM_001407581.1, NM_001407582.1, NM_001407583.1 and 59 more transcripts); c.567C>A, p.Thr189= (NM_001407587.1, NM_001407590.1, NM_001407591.1 and 41 more transcripts); c.561C>A, p.Thr187= (NM_001407646.1, NM_001407647.1, NM_001408408.1); c.492C>A, p.Thr164= (NM_001407653.1, NM_001407654.1, NM_001407655.1 and 9 more transcripts); c.489C>A, p.Thr163= (NM_001407659.1, NM_001407660.1, NM_001407661.1 and 3 more transcripts); c.429C>A, p.Thr143= (NM_001407692.1, NM_001407694.1, NM_001407695.1 and 43 more transcripts); and 17 more.
Identifiers: ClinVar variation 184888 (VCV000184888.19), dbSNP rs201536070, ClinGen allele CA003741.